The following is an entry in ClinVar:

NM_000875.5(IGF1R):c.364A>G (p.Met122Val)

Gene: IGF1R (insulin like growth factor 1 receptor; plus strand). Cytogenetic location: 15q26.3.
Variant type: single nucleotide variant.
Coding change: c.364A>G on transcript NM_000875.5 (MANE Select); coding-DNA position 364, A replaced by G.
Protein change: p.Met122Val; replaces methionine 122 with valine.
Molecular consequence: missense variant.
Genome position (GRCh38, 1-based): chr15:98,707,831, A>G. VCF-style: chr15-98707831-A-G. GRCh37 (hg19) VCF-style: chr15-99251060-A-G.
Other names: c.364A>G, p.Met122Val (NM_001291858.2); short protein forms M122V.
Identifiers: ClinVar variation 4540290 (VCV004540290.1).

ClinVar aggregate classification (germline): Uncertain significance (1 of 4 stars; one submission).

Submission:

GeneDx
Classification: Uncertain significance. Last evaluated: 2025-06-26. Review status: criteria provided, single submitter. Criteria: GeneDx Variant Classification Process June 2021. Collection method: clinical testing. Allele origin: germline. Affected: yes.
Comment: Not observed at significant frequency in large population cohorts (gnomAD); In silico analysis supports that this missense variant has a deleterious effect on protein structure/function; Has not been previously published as pathogenic or benign to our knowledge